The following is an entry in ClinVar:

NM_000218.3(KCNQ1):c.1022C>A (p.Ala341Glu)

Gene: KCNQ1 (potassium voltage-gated channel subfamily Q member 1; plus strand). Cytogenetic location: 11p15.5.
Variant type: single nucleotide variant.
Coding change: c.1022C>A on transcript NM_000218.3 (MANE Select); coding-DNA position 1022, C replaced by A.
Protein change: p.Ala341Glu; replaces alanine 341 with glutamic acid.
Molecular consequence: missense variant.
Genome position (GRCh38, 1-based): chr11:2,583,535, C>A. VCF-style: chr11-2583535-C-A. GRCh37 (hg19) VCF-style: chr11-2604765-C-A.
Other names: p.A341E:GCG>GAG; c.1022C>A (LRG_287t1); c.1022C>A, p.Ala341Glu (NM_001406836.1); c.752C>A, p.Ala251Glu (NM_001406837.1); c.578C>A, p.Ala193Glu (NM_001406838.1); c.641C>A, p.Ala214Glu (NM_181798.2); short protein forms A341E, A214E, A193E, A251E.
Identifiers: ClinVar variation 3120 (VCV000003120.60), dbSNP rs12720459, ClinGen allele CA004880.

ClinVar aggregate classification (germline): Pathogenic. Review status: criteria provided, multiple submitters, no conflicts (2 of 4 stars). 12 submissions from 11 submitters: Pathogenic (9). 3 of the submissions do not count toward it. Last evaluated 2026-01-26.

Conditions:
KCNQ1-related disorder. Also called: KCNQ1-related disorders; KCNQ1-related condition. Identifiers: MedGen CN239322.
Cardiovascular phenotype. Identifiers: MedGen CN230736.
Familial long QT syndrome (RWS). Also called: Romano-Ward syndrome; VENTRICULAR FIBRILLATION WITH PROLONGED QT INTERVAL; Congenital long QT syndrome. Identifiers: Orphanet 768, MedGen C1141890, MONDO:0019171.
Cardiac arrhythmia. Also called: Cardiac rhythm disease; Arrhythmia. Identifiers: MedGen C0003811, MONDO:0007263, HP:0011675.
Long QT syndrome 1/2, digenic (LQT1/2, DIGENIC). Also called: Long QT syndrome 1/2. Identifiers: MedGen C3277700.
Long QT syndrome (LQTS). Identifiers: MedGen C0023976, MeSH D008133, MONDO:0002442. Disease mechanism: loss of function. Inheritance: Various modes of inheritance.
Long QT syndrome 1 (LQT1). Identifiers: Orphanet 101016, Orphanet 768, MedGen C4551647, MONDO:0100316, OMIM 192500, MONDO:0008646.

Allele frequency attached by ClinVar (database versions not stated): gnomAD exomes 0.00003.
gnomAD v4.1: 23 of 1,612,314 alleles (0.0014%); highest among the groups gnomAD compares: Non-Finnish European, 0.002%; no homozygotes.

Submissions 1 to 6 of 12:

Labcorp Genetics (formerly Invitae), Labcorp
Classification: Pathogenic for Long QT syndrome. Last evaluated: 2026-01-26. Review status: criteria provided, single submitter. Criteria: Invitae Variant Classification Sherloc (09022015). Collection method: clinical testing. Allele origin: germline.
Comment: This sequence change replaces alanine, which is neutral and non-polar, with glutamic acid, which is acidic and polar, at codon 341 of the KCNQ1 protein (p.Ala341Glu). This variant is not present in population databases (gnomAD no frequency). This missense change has been observed in individual(s) with long QT syndrome (PMID: 8528244, 10086971, 16627448, 19716085, 22949429). It has also been observed to segregate with disease in related individuals. ClinVar contains an entry for this variant (Variation ID: 3120). Invitae Evidence Modeling of protein sequence and biophysical properties (such as structural, functional, and spatial information, amino acid conservation, physicochemical variation, residue mobility, and thermodynamic stability) has been performed for this missense variant. However, the output from this modeling did not meet the statistical confidence thresholds required to predict the impact of this variant on KCNQ1 protein function. Experimental studies have shown that this missense change affects KCNQ1 function (PMID: 10376919, 20368164, 22095730). This variant disrupts the p.Ala341 amino acid residue in KCNQ1. Other variant(s) that disrupt this residue have been determined to be pathogenic (PMID: 15028050, 17984373). This suggests that this residue is clinically significant, and that variants that disrupt this residue are likely to be disease-causing. For these reasons, this variant has been classified as Pathogenic.

Ambry Genetics
Classification: Pathogenic for Cardiovascular phenotype. Last evaluated: 2024-12-27. Review status: criteria provided, single submitter. Criteria: Ambry Variant Classification Scheme 2023. Collection method: clinical testing. Allele origin: germline.
Comment: The p.A341E pathogenic mutation (also known as c.1022C>A), located in coding exon 7 of the KCNQ1 gene, results from a C to A substitution at nucleotide position 1022. The alanine at codon 341 is replaced by glutamic acid, an amino acid with dissimilar properties. This variant (also referred to as A212E) was identified in one or more individuals with features consistent with long QT syndrome (LQTS) and segregated with disease in at least one family (Wang Q et al. Nat Genet. 1996;12:17-23; Berthet M et al. Circulation. 1999;99:1464-70; Splawski I et al. Circulation. 2000;102:1178-85; Chen S et al. Clin Genet. 2003;63:273-82; Giudicessi JR et al. Circ Cardiovasc Genet. 2012;5:519-28; Hedley PL et al. Cardiovasc J Afr. 2013;24:231-7; Laksman ZW et al. Heart Rhythm. 2014;11:1632-8). In an assay testing KCNQ1 function, this variant showed a functionally abnormal result (Wang Z et al. J. Cardiovasc Electrophysiol. 1999;10:817-26). An animal model expressing this equivalent variant exhibited phenotype(s) consistent with KCNQ1-related disease (Casimiro MC et al. Genomics, 2004 Sep;84:555-64). Other variant(s) at the same codon, p.A341V (c.1022C>T) have been identified in individual(s) with features consistent with LQTS (Wang Q et al. Nat Genet. 1996;12:17-23). This amino acid position is highly conserved in available vertebrate species. In addition, this alteration is predicted to be deleterious by in silico analysis. This variant is considered to be rare based on population cohorts in the Genome Aggregation Database (gnomAD). Based on the supporting evidence, this alteration is interpreted as a disease-causing mutation.

Blueprint Genetics
Classification: Pathogenic for KCNQ1-related disorders. Last evaluated: 2024-07-02. Review status: criteria provided, single submitter. Criteria: ACMG Guidelines, 2015. Collection method: clinical testing. Allele origin: germline. Affected: yes. Observed: 5 variant alleles.

CeGaT Center for Human Genetics Tuebingen
Classification: Pathogenic. Last evaluated: 2022-11-01. Review status: criteria provided, single submitter. Criteria: CeGaT Center For Human Genetics Tuebingen Variant Classification Criteria Version 2. Collection method: clinical testing. Allele origin: germline. Affected: yes. Observed: 1 variant allele.
Comment: KCNQ1: PS1, PM2, PS4:Moderate, PP3, PP4

GeneDx
Classification: Pathogenic. Last evaluated: 2022-02-10. Review status: criteria provided, single submitter. Criteria: GeneDx Variant Classification Process June 2021. Collection method: clinical testing. Allele origin: germline. Affected: yes.
Comment: Reported in multiple individuals with Long QT syndrome referred for genetic testing at GeneDx and in published literature (Wang et al., 1996; Berthet et al., 1999; Splawksi et al., 2000; Chen et al., 2003; Kapplinger et al., 2009; Hedley et al., 2013; Laksman et al., 2014; Choi et al., 2021; Schwartz et al., 2021); Not observed at significant frequency in large population cohorts (gnomAD); Published functional studies demonstrate a damaging effect as voltage clamp studies in Xenopus oocytes co-expressing both wild-type and mutant KCNQ1 channels have shown that A341E causes a dominant negative suppression of the delayed rectifier potassium current (Wang et al., 1999); In silico analysis supports that this missense variant has a deleterious effect on protein structure/function; This variant is associated with the following publications: (PMID: 20368164, 10086971, 8528244, 12702160, 14678125, 19716085, 22677073, 24217263, 24861447, 22949429, 29265344, 17470695, 27535533, 10973849, 10376919, 26582918, 12388934, 33087929, 34135346, 34319147, 34505893)

Victorian Clinical Genetics Services, Murdoch Childrens Research Institute
Classification: Pathogenic for Long QT syndrome 1. Last evaluated: 2022-02-02. Review status: criteria provided, single submitter. Criteria: ACMG Guidelines, 2015. Collection method: clinical testing. Allele origin: germline. Inheritance: Autosomal dominant inheritance. Affected: yes.
Comment: Based on the classification scheme VCGS_Germline_v1.3.4, this variant is classified as Pathogenic. Following criteria are met: 0103 - Dominant negative, loss of function and gain of function are known mechanisms of disease in this gene. Gain of function mutations result exclusively in Short QT syndrome (MIM#609621), while dominant negative and loss of function mutations can cause Long QT syndrome (LQTS, MIM#192500), atrial fibrillation (MIM#607554) and Jervell and Lange-Nielsen syndrome (JLNS, MIM#220400) (OMIM, PMIDs: 19632626, 28438721). (I) 0108 - This gene is known to be associated with both recessive and dominant disease. JLNS is characterized by congenital, bilateral deafness and variable degrees of QT prolongation, and is the only condition caused by biallelic mutations (PMID: 28438721). (I) 0112 - The condition associated with this gene has incomplete penetrance (OMIM, PMID: 20301308). (I) 0200 - Variant is predicted to result in a missense amino acid change from alanine to glutamic acid. (I) 0251 - This variant is heterozygous. (I) 0301 - Variant is absent from gnomAD (both v2 and v3). (SP) 0501 - Missense variant consistently predicted to be damaging by multiple in silico tools or highly conserved with a major amino acid change. (SP) 0600 - Variant is located in the annotated S6 transmembrane domain (UniProt). (I) 0702 - Other missense variants comparable to the one identified in this case have strong previous evidence for pathogenicity. The p.(Ala341Val) variant has been reported as a South African founder mutation and has multiple pathogenic entries in ClinVar (PMID: 24217263). Additionally, the p.(Ala341Gly) variant has been identified in a LQTS proband and has a pathogenic entry in ClinVar (PMID: 19716085). (SP) 0801 - This variant has strong previous evidence of pathogenicity in unrelated individuals. This variant has been identified in multiple unrelated LQTS probands and has pathogenic entries in ClinVar (PMIDs: 19716085, 22677073, 24861447, 24217263, VCGS). (SP) 0903 - This variant has evidence for segregation with disease. (SP) 1002 - Moderate functional evidence supporting abnormal protein function. Patch clamp functional analysis indicates that this variant has a dominant negative effect on channel function (PMID: 10376919). However, patch clamp assays have been shown to be unreliable, therefore results from these studies are used with caution during variant classification. (I) 1208 - Inheritance information for this variant is not currently available in this individual. (I) Legend: (SP) - Supporting pathogenic, (I) - Information, (SB) - Supporting benign